The following is an entry in ClinVar:

ClinVar aggregate classification (germline): Uncertain significance (1 of 4 stars; one submission).

Conditions:
Inborn genetic diseases. Identifiers: MedGen C0950123, MeSH D030342.

Submission:

Ambry Genetics
Classification: Uncertain significance for Inborn genetic diseases. Last evaluated: 2026-02-06. Review status: criteria provided, single submitter. Criteria: Ambry Variant Classification Scheme 2023. Collection method: clinical testing. Allele origin: germline.
Comment: The c.464-3delC alteration is located in Intron 1 (E) of the NR2F1 gene. This alteration consists of a deletion of 1 nucleotides at nucleotide position c.464-3 Intron 1 (E). This variant was not reported in population-based cohorts in the Genome Aggregation Database (gnomAD). Based on insufficient or conflicting evidence, the clinical significance of this alteration remains unclear.

NM_005654.6(NR2F1):c.464-3del

Gene: NR2F1 (nuclear receptor subfamily 2 group F member 1; plus strand). Cytogenetic location: 5q15.
Variant type: Deletion.
Coding change: c.464-3del on transcript NM_005654.6 (MANE Select); 3 bases into the intron before coding-DNA position 464, one base deleted (C; older notation c.464-3delC).
Molecular consequence: intron variant.
Genome position (GRCh38, 1-based): chr5:93,587,914, C deleted. VCF-style (leftmost placement, unchanged base first): chr5-93587913-TC-T. GRCh37 (hg19) VCF-style: chr5-92923619-TC-T.
Other names: c.14-3del (NM_001410754.1).
Identifiers: ClinVar variation 4832865 (VCV004832865.1).